The following is an entry in ClinVar:

NM_014014.5(SNRNP200):c.1118G>A (p.Arg373Gln)

Gene: SNRNP200 (small nuclear ribonucleoprotein U5 subunit 200; minus strand). Cytogenetic location: 2q11.2.
Variant type: single nucleotide variant.
Coding change: c.1118G>A on transcript NM_014014.5 (MANE Select); coding-DNA position 1118, G replaced by A.
Protein change: p.Arg373Gln; replaces arginine 373 with glutamine.
Molecular consequence: missense variant.
Genome position (GRCh38, 1-based): chr2:96,298,285, C>T on the plus strand (G>A on the coding strand, the complement: SNRNP200 is on the minus strand). VCF-style: chr2-96298285-C-T. GRCh37 (hg19) VCF-style: chr2-96964023-C-T.
Other names: short protein forms R373Q.
Identifiers: ClinVar variation 1919083 (VCV001919083.7), dbSNP rs745786225, ClinGen allele CA1779015.

ClinVar aggregate classification (germline): Uncertain significance. Review status: criteria provided, multiple submitters, no conflicts (2 of 4 stars). 3 submissions from 3 submitters: Uncertain significance (3). Last evaluated 2024-11-07.

Conditions:
Retinal dystrophy. Also called: Inherited retinal dystrophy. Identifiers: Orphanet 71862, MedGen C0854723, MeSH D058499, MONDO:0019118, HP:0000556.

Allele frequency attached by ClinVar (database versions not stated): ExAC 0.00001; gnomAD exomes 0.00001; TOPMed 0.00001; gnomAD 0.00002.

Submissions (3):

Blueprint Genetics
Classification: Uncertain significance. Last evaluated: 2024-11-07. Review status: criteria provided, single submitter. Criteria: ACMG Guidelines, 2015. Collection method: clinical testing. Allele origin: germline.

Labcorp Genetics (formerly Invitae), Labcorp
Classification: Uncertain significance. Last evaluated: 2024-10-12. Review status: criteria provided, single submitter. Criteria: Invitae Variant Classification Sherloc (09022015). Collection method: clinical testing. Allele origin: germline.
Comment: This sequence change replaces arginine, which is basic and polar, with glutamine, which is neutral and polar, at codon 373 of the SNRNP200 protein (p.Arg373Gln). This variant is present in population databases (rs745786225, gnomAD 0.006%). This variant has not been reported in the literature in individuals affected with SNRNP200-related conditions. ClinVar contains an entry for this variant (Variation ID: 1919083). Invitae Evidence Modeling of protein sequence and biophysical properties (such as structural, functional, and spatial information, amino acid conservation, physicochemical variation, residue mobility, and thermodynamic stability) indicates that this missense variant is not expected to disrupt SNRNP200 protein function with a negative predictive value of 95%. In summary, the available evidence is currently insufficient to determine the role of this variant in disease. Therefore, it has been classified as a Variant of Uncertain Significance.

Dept Of Ophthalmology, Nagoya University
Classification: Uncertain significance for Retinal dystrophy. Last evaluated: 2023-10-01. Review status: criteria provided, single submitter. Criteria: Submitter's publication. Collection method: research. Allele origin: germline. Affected: yes.